The following is an entry in ClinVar:

ClinVar aggregate classification (germline): Uncertain significance (1 of 4 stars; one submission).

Conditions:
Ataxia-telangiectasia-like disorder (ATLD). Identifiers: MedGen C1858391, MONDO:0011457.

Allele frequency attached by ClinVar (database versions not stated): ExAC 0.00001; gnomAD 0.00001; 1000 Genomes Project 30x 0.00016; 1000 Genomes Project 0.00020.
gnomAD v4.1: 1 of 1,599,308 alleles (0.000063%); highest among the groups gnomAD compares: African/African-American, 0.0013%; no homozygotes.

Submission:

Labcorp Genetics (formerly Invitae), Labcorp
Classification: Uncertain significance for Ataxia-telangiectasia-like disorder. Last evaluated: 2023-01-16. Review status: criteria provided, single submitter. Criteria: Invitae Variant Classification Sherloc (09022015). Collection method: clinical testing. Allele origin: germline.
Comment: In summary, the available evidence is currently insufficient to determine the role of this variant in disease. Therefore, it has been classified as a Variant of Uncertain Significance. Variants that disrupt the consensus splice site are a relatively common cause of aberrant splicing (PMID: 17576681, 9536098). Algorithms developed to predict the effect of sequence changes on RNA splicing suggest that this variant is not likely to affect RNA splicing. This variant has not been reported in the literature in individuals affected with MRE11-related conditions. This variant is present in population databases (rs538190710, gnomAD 0.007%). This sequence change falls in intron 16 of the MRE11 gene. It does not directly change the encoded amino acid sequence of the MRE11 protein. It affects a nucleotide within the consensus splice site.

Literature cited by the submitters: PubMed 17576681; PubMed 9536098.

NM_005591.4(MRE11):c.1867+3G>A

Gene: MRE11 (MRE11 double strand break repair nuclease; minus strand). Cytogenetic location: 11q21.
Variant type: single nucleotide variant.
Coding change: c.1867+3G>A on transcript NM_005591.4 (MANE Select); 3 bases into the intron after coding-DNA position 1867, G replaced by A.
Molecular consequence: intron variant.
Genome position (GRCh38, 1-based): chr11:94,445,807, C>T on the plus strand (G>A on the coding strand, the complement: MRE11 is on the minus strand). VCF-style: chr11-94445807-C-T. GRCh37 (hg19) VCF-style: chr11-94178973-C-T.
Other names: c.1864+3G>A (NM_001330347.2); c.1783+1412G>A (NM_005590.4).
Identifiers: ClinVar variation 1936812 (VCV001936812.5), dbSNP rs538190710, ClinGen allele CA6234977.